The following is an entry in ClinVar:

ClinVar aggregate classification (germline): Uncertain significance. Review status: criteria provided, multiple submitters, no conflicts (2 of 4 stars). 2 submissions from 2 submitters: Uncertain significance (2). Last evaluated 2025-08-26.

Conditions:
Hereditary hyperekplexia. Identifiers: Orphanet 3197, MedGen C4084968, MONDO:0021022.
Inborn genetic diseases. Identifiers: MedGen C0950123, MeSH D030342.

Allele frequency attached by ClinVar (database versions not stated): TOPMed below 0.00001.

Submissions (2):

Ambry Genetics
Classification: Uncertain significance for Inborn genetic diseases. Last evaluated: 2025-08-26. Review status: criteria provided, single submitter. Criteria: Ambry Variant Classification Scheme 2023. Collection method: clinical testing. Allele origin: germline.

Labcorp Genetics (formerly Invitae), Labcorp
Classification: Uncertain significance for Hereditary hyperekplexia. Last evaluated: 2022-07-26. Review status: criteria provided, single submitter. Criteria: Invitae Variant Classification Sherloc (09022015). Collection method: clinical testing. Allele origin: germline.
Comment: In summary, the available evidence is currently insufficient to determine the role of this variant in disease. Therefore, it has been classified as a Variant of Uncertain Significance. Advanced modeling of protein sequence and biophysical properties (such as structural, functional, and spatial information, amino acid conservation, physicochemical variation, residue mobility, and thermodynamic stability) performed at Invitae indicates that this missense variant is not expected to disrupt GLRA1 protein function. ClinVar contains an entry for this variant (Variation ID: 854867). This variant has not been reported in the literature in individuals affected with GLRA1-related conditions. This variant is present in population databases (no rsID available, gnomAD 0.007%). This sequence change replaces arginine, which is basic and polar, with tryptophan, which is neutral and slightly polar, at codon 349 of the GLRA1 protein (p.Arg349Trp).

NM_000171.4(GLRA1):c.1045C>T (p.Arg349Trp)

Gene: GLRA1 (glycine receptor alpha 1; minus strand). Cytogenetic location: 5q33.1.
Variant type: single nucleotide variant.
Coding change: c.1045C>T on transcript NM_000171.4 (MANE Select); coding-DNA position 1045, C replaced by T.
Protein change: p.Arg349Trp; replaces arginine 349 with tryptophan.
Molecular consequence: missense variant.
Genome position (GRCh38, 1-based): chr5:151,828,935, G>A on the plus strand (C>T on the coding strand, the complement: GLRA1 is on the minus strand). VCF-style: chr5-151828935-G-A. GRCh37 (hg19) VCF-style: chr5-151208496-G-A.
Other names: c.1045C>T, p.Arg349Trp (NM_001146040.2); c.796C>T, p.Arg266Trp (NM_001292000.2); short protein forms R266W, R349W.
Identifiers: ClinVar variation 854867 (VCV000854867.11), dbSNP rs752071816, ClinGen allele CA130010033.